The following is an entry in ClinVar:

ClinVar aggregate classification (germline): Benign/Likely benign. Review status: criteria provided, multiple submitters, no conflicts (2 of 4 stars). 9 submissions from 9 submitters: Benign (4); Likely benign (5). Last evaluated 2026-06-27.

Conditions:
COL5A2-related disorder. Also called: COL5A2-related condition.
Ehlers-Danlos syndrome, classic type, 1 (EDSCL1). Also called: EHLERS-DANLOS SYNDROME, GRAVIS TYPE; EHLERS-DANLOS SYNDROME, SEVERE CLASSIC TYPE; Ehlers-Danlos Syndrome, Classic Type, COL5A1-Related; Ehlers-Danlos syndrome, type 1; EDS I. Identifiers: MedGen C0268335, MONDO:0019567, OMIM 130000.
Ehlers-Danlos syndrome, classic type, 2 (EDSCL2). Also called: Ehlers-Danlos Syndrome, Classic Type, COL5A2-Related; Ehlers-Danlos syndrome, type 2; Ehlers-Danlos syndrome type 2 (formerly). Identifiers: Orphanet 287, Orphanet 90318, MedGen C0268336, MONDO:0019568, OMIM 130010.
Ehlers-Danlos syndrome (EDS). Identifiers: Orphanet 98249, MedGen C0013720, MONDO:0020066.
Familial thoracic aortic aneurysm and aortic dissection (TAAD). Also called: Thoracic aortic aneurysms and dissections. Identifiers: Orphanet 91387, MedGen C4707243, MONDO:0019625.

Allele frequency attached by ClinVar (database versions not stated): ExAC 0.00155; gnomAD exomes 0.00156; TOPMed 0.00013; ESP Exome Variant Server 0.00015; 1000 Genomes Project 30x 0.00078; 1000 Genomes Project 0.00100; gnomAD 0.00127 and 0.00133.
gnomAD v4.1: 1,206 of 1,613,340 alleles (0.075%); highest among the groups gnomAD compares: Non-Finnish European, 0.02%; 7 homozygotes.

Submissions (9):

PreventionGenetics, part of Exact Sciences
Classification: Benign for COL5A2-related condition. Last evaluated: 2026-06-27. Review status: criteria provided, single submitter. Criteria: ACMG Guidelines, 2015. Collection method: clinical testing. Allele origin: germline.
Comment: This variant is classified as benign based on ACMG/AMP sequence variant interpretation guidelines (Richards et al. 2015 PMID: 25741868, with internal and published modifications).

Labcorp Genetics (formerly Invitae), Labcorp
Classification: Benign for Ehlers-Danlos syndrome, classic type, 1. Last evaluated: 2026-01-20. Review status: criteria provided, single submitter. Criteria: Invitae Variant Classification Sherloc (09022015). Collection method: clinical testing. Allele origin: germline.

Blueprint Genetics
Classification: Likely benign. Last evaluated: 2024-11-19. Review status: criteria provided, single submitter. Criteria: ACMG Guidelines, 2015. Collection method: clinical testing. Allele origin: germline.

Ambry Genetics
Classification: Likely benign for Familial thoracic aortic aneurysm and aortic dissection. Last evaluated: 2024-07-10. Review status: criteria provided, single submitter. Criteria: Ambry Variant Classification Scheme 2023. Collection method: clinical testing. Allele origin: germline.

Women's Health and Genetics/Laboratory Corporation of America, LabCorp
Classification: Likely benign. Last evaluated: 2023-12-03. Review status: criteria provided, single submitter. Criteria: LabCorp Variant Classification Summary - May 2015. Collection method: clinical testing. Allele origin: germline.

ARUP Laboratories, Molecular Genetics and Genomics, ARUP Laboratories
Classification: Likely benign for Ehlers-Danlos syndrome, classic type, 2. Last evaluated: 2023-10-13. Review status: criteria provided, single submitter. Criteria: ARUP Molecular Germline Variant Investigation Process 2024. Collection method: clinical testing. Allele origin: germline.

Fulgent Genetics
Classification: Likely benign for Ehlers-Danlos syndrome, classic type, 2. Last evaluated: 2021-11-22. Review status: criteria provided, single submitter. Criteria: ACMG Guidelines, 2015. Collection method: clinical testing. Allele origin: unknown.

Genome Diagnostics Laboratory, The Hospital for Sick Children
Classification: Benign for Ehlers-Danlos syndrome. Last evaluated: 2020-11-19. Review status: criteria provided, single submitter. Criteria: ACMG Guidelines, 2015. Collection method: clinical testing. Allele origin: germline.

GeneDx
Classification: Benign. Last evaluated: 2019-12-09. Review status: criteria provided, single submitter. Criteria: GeneDx Variant Classification Process June 2021. Collection method: clinical testing. Allele origin: germline. Affected: yes.

NM_000393.5(COL5A2):c.2011C>T (p.Pro671Ser)

Gene: COL5A2 (collagen type V alpha 2 chain; minus strand). Cytogenetic location: 2q32.2.
Variant type: single nucleotide variant.
Coding change: c.2011C>T on transcript NM_000393.5 (MANE Select); coding-DNA position 2011, C replaced by T.
Protein change: p.Pro671Ser; replaces proline 671 with serine.
Molecular consequence: missense variant.
Genome position (GRCh38, 1-based): chr2:189,061,582, G>A on the plus strand (C>T on the coding strand, the complement: COL5A2 is on the minus strand). VCF-style: chr2-189061582-G-A. GRCh37 (hg19) VCF-style: chr2-189926308-G-A.
Other names: p.P671S:CCA>TCA; c.2011C>T (NM_000393.4); short protein forms P671S.
Identifiers: ClinVar variation 180303 (VCV000180303.23), dbSNP rs139189200, ClinGen allele CA325164.